The following is an entry in ClinVar:

ClinVar aggregate classification (germline): Uncertain significance (1 of 4 stars; one submission).

Allele frequency attached by ClinVar (database versions not stated): gnomAD 0.00001; gnomAD exomes 0.00002; TOPMed 0.00002; ExAC 0.00003; 1000 Genomes Project 30x 0.00016; 1000 Genomes Project 0.00020.
gnomAD v4.1: 41 of 1,613,960 alleles (0.0025%); highest among the groups gnomAD compares: African/African-American, 0.017%; no homozygotes.

Submission:

Labcorp Genetics (formerly Invitae), Labcorp
Classification: Uncertain significance. Last evaluated: 2023-03-06. Review status: criteria provided, single submitter. Criteria: Invitae Variant Classification Sherloc (09022015). Collection method: clinical testing. Allele origin: germline.
Comment: This sequence change replaces glutamic acid, which is acidic and polar, with lysine, which is basic and polar, at codon 1996 of the FAT1 protein (p.Glu1996Lys). This variant is present in population databases (rs147571313, gnomAD 0.007%). This variant has not been reported in the literature in individuals affected with FAT1-related conditions. Advanced modeling of protein sequence and biophysical properties (such as structural, functional, and spatial information, amino acid conservation, physicochemical variation, residue mobility, and thermodynamic stability) performed at Invitae indicates that this missense variant is expected to disrupt FAT1 protein function. In summary, the available evidence is currently insufficient to determine the role of this variant in disease. Therefore, it has been classified as a Variant of Uncertain Significance.

NM_005245.4(FAT1):c.5986G>A (p.Glu1996Lys)

Gene: FAT1 (FAT atypical cadherin 1; minus strand). Cytogenetic location: 4q35.2.
Variant type: single nucleotide variant.
Coding change: c.5986G>A on transcript NM_005245.4 (MANE Select); coding-DNA position 5986, G replaced by A.
Protein change: p.Glu1996Lys; replaces glutamic acid 1996 with lysine.
Molecular consequence: missense variant.
Genome position (GRCh38, 1-based): chr4:186,620,600, C>T on the plus strand (G>A on the coding strand, the complement: FAT1 is on the minus strand). VCF-style: chr4-186620600-C-T. GRCh37 (hg19) VCF-style: chr4-187541754-C-T.
Other names: short protein forms E1996K.
Identifiers: ClinVar variation 2857488 (VCV002857488.3), dbSNP rs147571313, ClinGen allele CA3166338.